The following is an entry in ClinVar:

ClinVar aggregate classification (germline): Benign (1 of 4 stars; one submission).

Conditions:
Noonan syndrome-like disorder with loose anagen hair 1 (NSLH1). Also called: TOSTI SYNDROME; MAZZANTI SYNDROME. Identifiers: Orphanet 2701, MedGen C4478716, MONDO:0054637, OMIM 607721.

Allele frequency attached by ClinVar (database versions not stated): gnomAD exomes below 0.00001 and 0.00002; ExAC 0.00002; gnomAD 0.00005; TOPMed 0.00006; ESP Exome Variant Server 0.00008.
gnomAD v4.1: 12 of 1,577,876 alleles (0.00076%); highest among the groups gnomAD compares: African/African-American, 0.016%; no homozygotes.

Submission:

Illumina Laboratory Services, Illumina
Classification: Benign for Noonan syndrome-like disorder with loose anagen hair 1. Last evaluated: 2018-01-13. Review status: criteria provided, single submitter. Criteria: ICSL Variant Classification Criteria 13 December 2019. Collection method: clinical testing. Allele origin: germline.
Comment: This variant was observed in the ICSL laboratory as part of a predisposition screen in an ostensibly healthy population. It had not been previously curated by ICSL or reported in the Human Gene Mutation Database (HGMD: prior to June 1st, 2018), and was therefore a candidate for classification through an automated scoring system. Utilizing variant allele frequency, disease prevalence and penetrance estimates, and inheritance mode, an automated score was calculated to assess if this variant is too frequent to cause the disease. Based on the score and internal cut-off values, a variant classified as benign is not then subjected to further curation. The score for this variant resulted in a classification of benign for this disease.

NM_007373.4(SHOC2):c.*20C>T

Gene: SHOC2 (SHOC2 leucine rich repeat scaffold protein; plus strand). Cytogenetic location: 10q25.2.
Variant type: single nucleotide variant.
Coding change: c.*20C>T on transcript NM_007373.4 (MANE Select); 20 bases downstream of the stop codon, C replaced by T.
Molecular consequence: 3 prime UTR variant. On other transcripts: non-coding transcript variant (1).
Genome position (GRCh38, 1-based): chr10:111,011,838, C>T. VCF-style: chr10-111011838-C-T. GRCh37 (hg19) VCF-style: chr10-112771596-C-T.
Other names: c.*20C>T (NM_001269039.3, NM_001324336.2, NM_001324337.2).
Identifiers: ClinVar variation 879344 (VCV000879344.4), dbSNP rs371005619, ClinGen allele CA5689837.